The following is an entry in ClinVar:

ClinVar aggregate classification (germline): Likely benign (1 of 4 stars; one submission).

gnomAD v4.1: 1 of 1,609,606 alleles (0.000062%); no homozygotes.

Submission:

CeGaT Center for Human Genetics Tuebingen
Classification: Likely benign. Last evaluated: 2023-08-01. Review status: criteria provided, single submitter. Criteria: CeGaT Center For Human Genetics Tuebingen Variant Classification Criteria Version 2. Collection method: clinical testing. Allele origin: germline. Affected: yes. Observed: 1 variant allele.
Comment: BRCA2: PM2:Supporting, BP4, BP7

NM_000059.4(BRCA2):c.6345G>A (p.Glu2115=)

Gene: BRCA2 (BRCA2 DNA repair associated; plus strand). Cytogenetic location: 13q13.1.
Variant type: single nucleotide variant.
Coding change: c.6345G>A on transcript NM_000059.4 (MANE Select); coding-DNA position 6345, G replaced by A.
Protein change: p.Glu2115=; no amino-acid change (glutamic acid 2115 retained).
Molecular consequence: synonymous variant. On other transcripts: non-coding transcript variant (1), intron variant (2).
Genome position (GRCh38, 1-based): chr13:32,340,700, G>A. VCF-style: chr13-32340700-G-A. GRCh37 (hg19) VCF-style: chr13-32914837-G-A.
Other names: c.6345G>A, p.Glu2115= (NM_001406719.1, NM_001406720.1); c.1910-3858G>A (NM_001406721.1); c.425-3858G>A (NM_001406722.1).
Identifiers: ClinVar variation 2643731 (VCV002643731.24), dbSNP rs1432047332, ClinGen allele CA483438821.